The following is an entry in ClinVar:

ClinVar aggregate classification (germline): Likely benign. Review status: criteria provided, single submitter (1 of 4 stars). 2 submissions from 2 submitters: Likely benign (1). 1 of the submissions does not count toward it. Last evaluated 2024-04-25.

Conditions:
Congenital disorder of glycosylation, type Ii. Also called: ALG2-congenital disorder of glycosylation; ALG2-CDG; CDG Ii. Identifiers: Orphanet 79326, MedGen C1842836, MONDO:0011933, OMIM 607906.
Congenital myasthenic syndrome 14. Also called: Myasthenic syndrome, congenital, 14, with tubular aggregates. Identifiers: Orphanet 353327, Orphanet 590, MedGen C4015597, MONDO:0014543, OMIM 616228.
ALG2-related disorder. Also called: ALG2-related condition.

Allele frequency attached by ClinVar (database versions not stated): gnomAD exomes 0.00004 and 0.00001; gnomAD 0.00002; 1000 Genomes Project 0.00060; 1000 Genomes Project 30x 0.00078; ExAC 0.00003.

Submissions (2):

Labcorp Genetics (formerly Invitae), Labcorp
Classification: Likely benign for Congenital disorder of glycosylation, type Ii; Congenital myasthenic syndrome 14. Last evaluated: 2024-04-25. Review status: criteria provided, single submitter. Criteria: Invitae Variant Classification Sherloc (09022015). Collection method: clinical testing. Allele origin: germline.

PreventionGenetics, part of Exact Sciences
Classification: Likely benign for ALG2-related condition. Last evaluated: 2020-07-14. Review status: no assertion criteria provided. Collection method: clinical testing. Allele origin: germline. Not counted in ClinVar's aggregate classification.
Comment: This variant is classified as likely benign based on ACMG/AMP sequence variant interpretation guidelines (Richards et al. 2015 PMID: 25741868, with internal and published modifications).

NM_033087.4(ALG2):c.657A>C (p.Leu219=)

Gene: ALG2 (ALG2 alpha-1,3/1,6-mannosyltransferase; minus strand). Cytogenetic location: 9q22.33.
Variant type: single nucleotide variant.
Coding change: c.657A>C on transcript NM_033087.4 (MANE Select); coding-DNA position 657, A replaced by C.
Protein change: p.Leu219=; no amino-acid change (leucine 219 retained).
Molecular consequence: synonymous variant. On other transcripts: non-coding transcript variant (1).
Genome position (GRCh38, 1-based): chr9:99,218,528, T>G on the plus strand (A>C on the coding strand, the complement: ALG2 is on the minus strand). VCF-style: chr9-99218528-T-G. GRCh37 (hg19) VCF-style: chr9-101980810-T-G.
Other names: c.657A>C (NM_033087.3).
Identifiers: ClinVar variation 1593024 (VCV001593024.10), dbSNP rs201667181, ClinGen allele CA5156277.